The following is an entry in ClinVar:

NM_002465.4(MYBPC1):c.*169G>T

Gene: MYBPC1 (myosin binding protein C1; plus strand). Cytogenetic location: 12q23.2.
Variant type: single nucleotide variant.
Coding change: c.*169G>T on transcript NM_002465.4 (MANE Select); 169 bases downstream of the stop codon, G replaced by T.
Molecular consequence: 3 prime UTR variant.
Genome position (GRCh38, 1-based): chr12:101,685,731, G>T. VCF-style: chr12-101685731-G-T. GRCh37 (hg19) VCF-style: chr12-102079509-G-T.
Other names: c.*99G>T (NM_001254718.3); c.*169G>T (NM_001254719.3, NM_001254720.3, NM_001254721.3 and 2 more transcripts); c.*49G>T (NM_001254723.3, NM_001404675.1, NM_001404676.1 and 1 more transcripts); c.*179G>T (NM_001404678.1, NM_001404680.1, NM_001404681.1 and 3 more transcripts).
Identifiers: ClinVar variation 883343 (VCV000883343.10), dbSNP rs115971493, ClinGen allele CA6745451.

ClinVar aggregate classification (germline): Benign/Likely benign. Review status: criteria provided, multiple submitters, no conflicts (2 of 4 stars). 3 submissions from 3 submitters: Benign (1); Likely benign (2). Last evaluated 2019-11-15.

Conditions:
Arthrogryposis, distal, type 1B. Identifiers: Orphanet 1146, MedGen C3280526, MONDO:0013698, OMIM 614335.

Allele frequency attached by ClinVar (database versions not stated): ExAC 0.00033; gnomAD exomes 0.00041 and 0.00054; gnomAD 0.00503 and 0.00526; TOPMed 0.00549; 1000 Genomes Project 0.00559; 1000 Genomes Project 30x 0.00593.
gnomAD v4.1: 1,274 of 1,325,132 alleles (0.096%); highest among the groups gnomAD compares: African/African-American, 1.7%; 21 homozygotes.

Submissions (3):

GeneDx
Classification: Likely benign. Last evaluated: 2019-11-15. Review status: criteria provided, single submitter. Criteria: GeneDx Variant Classification Process June 2021. Collection method: clinical testing. Allele origin: germline. Affected: yes.

Illumina Laboratory Services, Illumina
Classification: Benign for Arthrogryposis, distal, type 1B. Last evaluated: 2018-01-13. Review status: criteria provided, single submitter. Criteria: ICSL Variant Classification Criteria 13 December 2019. Collection method: clinical testing. Allele origin: germline.
Comment: This variant was observed in the ICSL laboratory as part of a predisposition screen in an ostensibly healthy population. It had not been previously curated by ICSL or reported in the Human Gene Mutation Database (HGMD: prior to June 1st, 2018), and was therefore a candidate for classification through an automated scoring system. Utilizing variant allele frequency, disease prevalence and penetrance estimates, and inheritance mode, an automated score was calculated to assess if this variant is too frequent to cause the disease. Based on the score and internal cut-off values, a variant classified as benign is not then subjected to further curation. The score for this variant resulted in a classification of benign for this disease.

Breakthrough Genomics
Classification: Likely benign. Review status: criteria provided, single submitter. Criteria: ACMG Guidelines, 2015. Collection method: not provided. Allele origin: germline. Inheritance: Autosomal recessive inheritance. Affected: yes.